The following is an entry in ClinVar:

NM_001329943.3(KIAA0586):c.853G>C (p.Val285Leu)

Gene: KIAA0586 (KIAA0586; plus strand). Cytogenetic location: 14q23.1.
Variant type: single nucleotide variant.
Coding change: c.853G>C on transcript NM_001329943.3 (MANE Select); coding-DNA position 853, G replaced by C.
Protein change: p.Val285Leu; replaces valine 285 with leucine.
Molecular consequence: missense variant.
Genome position (GRCh38, 1-based): chr14:58,448,385, G>C. VCF-style: chr14-58448385-G-C. GRCh37 (hg19) VCF-style: chr14-58915103-G-C.
Other names: c.1012G>C, p.Val338Leu (NM_001244189.2); c.808G>C, p.Val270Leu (NM_001244190.2); c.598G>C, p.Val200Leu (NM_001244191.2, NM_001329945.2, NM_001364700.1 and 1 more transcripts); c.721G>C, p.Val241Leu (NM_001244192.2); c.433G>C, p.Val145Leu (NM_001244193.2); c.853G>C, p.Val285Leu (NM_001329944.2, NM_001329946.2, NM_001329947.2 and 1 more transcripts); short protein forms V270L, V338L, V145L, V241L, V200L, V285L.
Identifiers: ClinVar variation 2133554 (VCV002133554.2), dbSNP rs2542902318, ClinGen allele CA389863901.

ClinVar aggregate classification (germline): Uncertain significance (1 of 4 stars; one submission).

Conditions:
Joubert syndrome 23 (JBTS23). Identifiers: Orphanet 475, MedGen C4084822, MONDO:0014664, OMIM 616490.
Short-rib thoracic dysplasia 14 with polydactyly (SRTD14). Identifiers: Orphanet 397715, MedGen C4225286, MONDO:0014688, OMIM 616546.

Allele frequency attached by ClinVar (database versions not stated): gnomAD exomes below 0.00001.
gnomAD v4.1: 1 of 1,607,532 alleles (0.000062%); highest among the groups gnomAD compares: Non-Finnish European, 0.000085%; no homozygotes.

Submission:

Labcorp Genetics (formerly Invitae), Labcorp
Classification: Uncertain significance for Joubert syndrome 23; Short-rib thoracic dysplasia 14 with polydactyly. Last evaluated: 2022-05-04. Review status: criteria provided, single submitter. Criteria: Invitae Variant Classification Sherloc (09022015). Collection method: clinical testing. Allele origin: germline.
Comment: This variant is not present in population databases (gnomAD no frequency). This sequence change replaces valine, which is neutral and non-polar, with leucine, which is neutral and non-polar, at codon 338 of the KIAA0586 protein (p.Val338Leu). This variant has not been reported in the literature in individuals affected with KIAA0586-related conditions. Algorithms developed to predict the effect of missense changes on protein structure and function (SIFT, PolyPhen-2, Align-GVGD) all suggest that this variant is likely to be tolerated. In summary, the available evidence is currently insufficient to determine the role of this variant in disease. Therefore, it has been classified as a Variant of Uncertain Significance.